The following is an entry in ClinVar:

NM_152598.4(MARCHF10):c.91-15GTT[2]

Gene: MARCHF10 (membrane associated ring-CH-type finger 10; minus strand). Cytogenetic location: 17q23.2.
Variant type: Microsatellite.
Coding change: c.91-15GTT[2] on transcript NM_152598.4 (MANE Select); two copies in a row of the 3-base unit GTT starting at c.91-15; the reference has three copies in a row; one copy, 3 bases deleted.
Molecular consequence: intron variant.
Genome position (GRCh38, 1-based): chr17:62,788,606-62,788,608, AAC deleted on the plus strand (GTT on the coding strand, the reverse complement: MARCHF10 is on the minus strand); deleting any 3 consecutive bases within chr17:62,788,606-62,788,616 gives the same sequence; the position shown is the placement nearest the transcript's 3' end. VCF-style (leftmost placement, unchanged base first): chr17-62788605-GAAC-G. GRCh37 (hg19) VCF-style: chr17-60865966-GAAC-G.
Other names: c.91-15GTT[2] (NM_001288779.2, NM_001100875.3, NM_001288780.2).
Identifiers: ClinVar variation 3052226 (VCV003052226.2), dbSNP rs561839500, ClinGen allele CA8697151.

ClinVar aggregate classification (germline): Likely benign (0 of 4 stars; one submission).

Conditions:
MARCHF10-related disorder. Also called: MARCHF10-related condition.

Submission:

PreventionGenetics, part of Exact Sciences
Classification: Likely benign for MARCHF10-related condition. Last evaluated: 2020-01-13. Review status: no assertion criteria provided. Collection method: clinical testing. Allele origin: germline.
Comment: This variant is classified as likely benign based on ACMG/AMP sequence variant interpretation guidelines (Richards et al. 2015 PMID: 25741868, with internal and published modifications).